The following is an entry in ClinVar:

NM_000388.4(CASR):c.2921C>T (p.Thr974Ile)

Gene: CASR (calcium sensing receptor; plus strand). Cytogenetic location: 3q21.1.
Variant type: single nucleotide variant.
Coding change: c.2921C>T on transcript NM_000388.4 (MANE Select); coding-DNA position 2921, C replaced by T.
Protein change: p.Thr974Ile; replaces threonine 974 with isoleucine.
Molecular consequence: missense variant.
Genome position (GRCh38, 1-based): chr3:122,284,875, C>T. VCF-style: chr3-122284875-C-T. GRCh37 (hg19) VCF-style: chr3-122003722-C-T.
Other names: c.2951C>T, p.Thr984Ile (NM_001178065.2); short protein forms T974I, T984I.
Identifiers: ClinVar variation 573151 (VCV000573151.9), dbSNP rs774943243, ClinGen allele CA2569891.

ClinVar aggregate classification (germline): Conflicting classifications of pathogenicity. Review status: criteria provided, conflicting classifications (1 of 4 stars). 2 submissions from 2 submitters: Uncertain significance (1); Likely benign (1). Last evaluated 2025-05-22.

Conditions:
Familial hypocalciuric hypercalcemia (FHH). Also called: Familial benign hypercalcemia. Identifiers: Orphanet 405, MedGen C1809471, MONDO:0018458.
Autosomal dominant hypocalcemia 1 (HYPOC1). Also called: HYPOCALCEMIA, FAMILIAL. Identifiers: MedGen C3715128, MONDO:0011013, OMIM 601198.
Nephrolithiasis/nephrocalcinosis. Identifiers: MedGen CN580796.

Allele frequency attached by ClinVar (database versions not stated): gnomAD exomes 0.00001 and 0.00002; ExAC 0.00002.
gnomAD v4.1: 7 of 1,614,178 alleles (0.00043%); highest among the groups gnomAD compares: Admixed American, 0.012%; no homozygotes.

Submissions (2):

Labcorp Genetics (formerly Invitae), Labcorp
Classification: Uncertain significance for Familial hypocalciuric hypercalcemia; Autosomal dominant hypocalcemia 1. Last evaluated: 2025-05-22. Review status: criteria provided, single submitter. Criteria: Invitae Variant Classification Sherloc (09022015). Collection method: clinical testing. Allele origin: germline.
Comment: This sequence change replaces threonine, which is neutral and polar, with isoleucine, which is neutral and non-polar, at codon 974 of the CASR protein (p.Thr974Ile). This variant is present in population databases (rs774943243, gnomAD 0.02%). This variant has not been reported in the literature in individuals affected with CASR-related conditions. ClinVar contains an entry for this variant (Variation ID: 573151). An algorithm developed to predict the effect of missense changes on protein structure and function (PolyPhen-2) suggests that this variant is likely to be disruptive. In summary, the available evidence is currently insufficient to determine the role of this variant in disease. Therefore, it has been classified as a Variant of Uncertain Significance.

Ambry Genetics
Classification: Likely benign for Nephrolithiasis/nephrocalcinosis. Last evaluated: 2023-05-19. Review status: criteria provided, single submitter. Criteria: Ambry Variant Classification Scheme 2023. Collection method: clinical testing. Allele origin: germline.